The following is an entry in ClinVar:

ClinVar aggregate classification (germline): Conflicting classifications of pathogenicity. Review status: criteria provided, conflicting classifications (1 of 4 stars). 11 submissions from 10 submitters: Uncertain significance (9); Likely benign (2). Last evaluated 2026-09-21.

Conditions:
TTN-related disorder. Also called: TTN-related condition; TTN-related disease; TTN-related disorders.
Cardiovascular phenotype. Identifiers: MedGen CN230736.
Myopathy, myofibrillar, 9, with early respiratory failure (MFM9). Also called: Hereditary myopathy with early respiratory failure; Myopathy, distal, with early respiratory failure, autosomal dominant; EDSTROM MYOPATHY; MYOPATHY, PROXIMAL, WITH EARLY RESPIRATORY MUSCLE INVOLVEMENT. Identifiers: Orphanet 178464, Orphanet 34521, MedGen C1863599, MONDO:0011362, OMIM 603689.
Dilated cardiomyopathy 1G (CMD1G). Identifiers: Orphanet 154, MedGen C1858763, MONDO:0011400, OMIM 604145.

Allele frequency attached by ClinVar (database versions not stated): ExAC 0.00004; gnomAD 0.00007 and 0.00010; TOPMed 0.00007.
gnomAD v4.1: 82 of 1,612,020 alleles (0.0051%); highest among the groups gnomAD compares: Admixed American, 0.022%; no homozygotes.

Submissions (11):

Molecular Diagnostic Laboratory for Inherited Cardiovascular Disease, Montreal Heart Institute
Classification: Likely benign. Last evaluated: 2026-09-21. Review status: criteria provided, single submitter. Criteria: ACMG Guidelines, 2015. Collection method: clinical testing. Allele origin: germline. Affected: no.
Comment: BP1

PreventionGenetics, part of Exact Sciences
Classification: Uncertain significance for TTN-related condition. Last evaluated: 2026-04-15. Review status: criteria provided, single submitter. Criteria: ACMG Guidelines, 2015. Collection method: clinical testing. Allele origin: germline.
Comment: The TTN c.65672C>T variant is predicted to result in the amino acid substitution p.Pro21891Leu. This variant has been documented in an individual with dilated cardiomyopathy (variant referred to as NM_133378: c.57968C>T in Supplemental Table 2 in Burstein et al. 2021. PubMed ID: 32746448). This variant is reported in 0.017% of alleles in individuals of Latino descent in gnomAD. At this time, the clinical significance of this variant is uncertain due to the absence of conclusive functional and genetic evidence.

Women's Health and Genetics/Laboratory Corporation of America, LabCorp
Classification: Uncertain significance. Last evaluated: 2024-10-17. Review status: criteria provided, single submitter. Criteria: LabCorp Variant Classification Summary - May 2015. Collection method: clinical testing. Allele origin: germline.
Comment: Variant summary: TTN c.57968C>T (p.Pro19323Leu) results in a non-conservative amino acid change located in the A-band region of the encoded protein sequence. Five of five in-silico tools predict a damaging effect of the variant on protein function. The variant allele was found at a frequency of 4.9e-05 in 246570 control chromosomes. This frequency is not significantly higher than estimated for a pathogenic variant in TTN causing Limb-Girdle Muscular Dystrophy, Type 2J, allowing no conclusion about variant significance. c.57968C>T has been reported in the literature in one individuals affected with Dilated cardiomyopathy, without strong evidence for causality (Burstein_2021). These report(s) do not provide unequivocal conclusions about association of the variant with Limb-Girdle Muscular Dystrophy, Type 2J. To our knowledge, no experimental evidence demonstrating an impact on protein function has been reported. The following publication has been ascertained in the context of this evaluation (PMID: 32746448). ClinVar contains an entry for this variant (Variation ID: 47226). Based on the evidence outlined above, the variant was classified as uncertain significance.

Athena Diagnostics
Classification: Uncertain significance. Last evaluated: 2024-02-07. Review status: criteria provided, single submitter. Criteria: Athena Diagnostics Criteria. Collection method: clinical testing. Allele origin: unknown.
Comment: Available data are insufficient to determine the clinical significance of the variant at this time. The frequency of this variant in the general population is uninformative in assessment of its pathogenicity. Computational tools predict that this variant is damaging.

Revvity Omics, Revvity
Classification: Uncertain significance. Last evaluated: 2021-03-22. Review status: criteria provided, single submitter. Criteria: ACMG Guidelines, 2015. Collection method: clinical testing. Allele origin: germline.

Baylor Genetics
Classification: Uncertain significance for Dilated cardiomyopathy 1G. Last evaluated: 2020-07-09. Review status: criteria provided, single submitter. Criteria: ACMG Guidelines, 2015. Collection method: clinical testing. Allele origin: unknown. Affected: yes.
Comment: This variant was determined to be of uncertain significance according to ACMG Guidelines, 2015 [PMID:25741868].

ARUP Laboratories, Molecular Genetics and Genomics, ARUP Laboratories
Classification: Uncertain significance. Last evaluated: 2019-09-04. Review status: criteria provided, single submitter. Criteria: ARUP Molecular Germline Variant Investigation Process. Collection method: clinical testing. Allele origin: germline.
Comment: The TTN c.65672C>T, p.Pro21891Leu variant (rs397517662; ClinVar Variation ID: 47226) is rare in the general population (<1% allele frequency in the Genome Aggregation Database) and has not been reported in the medical literature in association with dilated cardiomyopathy (DCM) or other TTN-related disease. The clinical relevance of rare missense variants in this gene, which are identified on average once per individual sequenced in affected populations (Herman 2012), is not well understood. Yet, evidence suggests that the vast majority of such missense variants do not contribute to the clinical outcome of DCM (Begay 2015). Thus, the clinical significance of the p.Pro21891Leu variant cannot be determined with certainty. References: Begay RL et al. Role of Titin Missense Variants in Dilated Cardiomyopathy. J Am Heart Assoc. 2015 Nov 13;4(11). Herman DS et al. Truncations of titin causing dilated cardiomyopathy. N Engl J Med. 2012 Feb 16;366(7):619-28. Linke and Hamdani. Gigantic business: titin properties and function through thick and thin. Circ Res 2014; 114(6): 1052-1068.

Baylor Genetics
Classification: Uncertain significance for Myopathy, myofibrillar, 9, with early respiratory failure. Last evaluated: 2019-05-21. Review status: criteria provided, single submitter. Criteria: ACMG Guidelines, 2015. Collection method: clinical testing. Allele origin: unknown. Affected: yes.
Comment: the same text as in the submission from Baylor Genetics above.

CeGaT Center for Human Genetics Tuebingen
Classification: Likely benign. Last evaluated: 2018-10-01. Review status: criteria provided, single submitter. Criteria: CeGaT Center For Human Genetics Tuebingen Variant Classification Criteria Version 2. Collection method: clinical testing. Allele origin: germline. Affected: yes. Observed: 4 variant alleles.

Ambry Genetics
Classification: Uncertain significance for Cardiovascular phenotype. Last evaluated: 2018-08-17. Review status: criteria provided, single submitter. Criteria: Ambry Variant Classification Scheme 2023. Collection method: clinical testing. Allele origin: germline.
Comment: The p.P12826L variant (also known as c.38477C>T), located in coding exon 140 of the TTN gene, results from a C to T substitution at nucleotide position 38477. The proline at codon 12826 is replaced by leucine, an amino acid with similar properties. This amino acid position is highly conserved in available vertebrate species. In addition, the in silico prediction for this alteration is inconclusive. Since supporting evidence is limited at this time, the clinical significance of this variant remains unclear.

Laboratory for Molecular Medicine, Mass General Brigham Personalized Medicine
Classification: Uncertain significance. Last evaluated: 2012-10-08. Review status: criteria provided, single submitter. Criteria: LMM Criteria. Collection method: clinical testing. Allele origin: germline. Observed: 1 variant allele.
Comment: The Pro19323Leu variant in TTN has not been reported in the literature nor previ ously identified by our laboratory. Computational analyses (biochemical amino ac id properties, conservation, AlignGVGD, PolyPhen2, and SIFT) do not provide stro ng support for or against an impact to the protein. Additional information is n eeded to fully assess the clinical significance of the Pro19323Leu variant.

Literature cited by the submitters: PubMed 32746448 (cited by Women's Health and Genetics/Laboratory Corporation of America, LabCorp).

NM_001267550.2(TTN):c.65672C>T (p.Pro21891Leu)

Genes: TTN (titin; minus strand), TTN-AS1 (TTN antisense RNA 1; plus strand). Cytogenetic location: 2q31.2.
Variant type: single nucleotide variant.
Coding change: c.65672C>T on transcript NM_001267550.2 (MANE Select); coding-DNA position 65672, C replaced by T.
Protein change: p.Pro21891Leu; replaces proline 21891 with leucine.
Molecular consequence: missense variant. On other transcripts: non-coding transcript variant (1).
Genome position (GRCh38, 1-based): chr2:178,583,131, G>A on the plus strand (C>T on the coding strand, the complement: TTN is on the minus strand). VCF-style: chr2-178583131-G-A. GRCh37 (hg19) VCF-style: chr2-179447858-G-A.
Other names: c.38477C>T, p.Pro12826Leu (NM_003319.4); c.57968C>T, p.Pro19323Leu (NM_133378.4); c.60749C>T, p.Pro20250Leu (NM_001256850.1); c.38852C>T, p.Pro12951Leu (NM_133432.3); c.39053C>T, p.Pro13018Leu (NM_133437.4); short protein forms P21891L, P19323L, P12826L, P13018L, P20250L, P12951L.
Identifiers: ClinVar variation 47226 (VCV000047226.65), dbSNP rs397517662, ClinGen allele CA140390.
Genomic context (GRCh38, chr2:178,583,131, plus strand): 5'-TTTATGCCTTCTGCTGGTTTTAGCAGTGTGCCATCTTTTTTCCAAGAAACTGTTGGCATC[G>A]GTTTACCAAAAACAGTAGCATCCAAGCAGACATTAGTTCCAGCTTTCACAGTAAGCAAAG-3'
Protein context (NP_001254479.2, residues 21881-21901): VCLDATVFGK[Pro21891Leu]MPTVSWKKDG